The following is an entry in ClinVar:

ClinVar aggregate classification (germline): Uncertain significance (1 of 4 stars; one submission).

Conditions:
Arrhythmogenic right ventricular dysplasia 10. Also called: Arrhythmogenic Right Ventricular Dysplasia/Cardiomyopathy10; ARRHYTHMOGENIC RIGHT VENTRICULAR DYSPLASIA, FAMILIAL, 10; Arrhythmogenic right ventricular dysplasia/cardiomyopathy, type 10. Identifiers: MedGen C1857777, MONDO:0012434, OMIM 610193.

Submission:

Labcorp Genetics (formerly Invitae), Labcorp
Classification: Uncertain significance for Arrhythmogenic right ventricular dysplasia 10. Last evaluated: 2025-02-05. Review status: criteria provided, single submitter. Criteria: Invitae Variant Classification Sherloc (09022015). Collection method: clinical testing. Allele origin: germline.
Comment: This sequence change replaces isoleucine, which is neutral and non-polar, with arginine, which is basic and polar, at codon 934 of the DSG2 protein (p.Ile934Arg). This variant is not present in population databases (gnomAD no frequency). This variant has not been reported in the literature in individuals affected with DSG2-related conditions. Invitae Evidence Modeling of protein sequence and biophysical properties (such as structural, functional, and spatial information, amino acid conservation, physicochemical variation, residue mobility, and thermodynamic stability) indicates that this missense variant is not expected to disrupt DSG2 protein function with a negative predictive value of 95%. In summary, the available evidence is currently insufficient to determine the role of this variant in disease. Therefore, it has been classified as a Variant of Uncertain Significance.

NM_001943.5(DSG2):c.2801T>G (p.Ile934Arg)

Genes: DSG2 (desmoglein 2; plus strand), DSG2-AS1 (DSG2 antisense RNA 1; minus strand). Cytogenetic location: 18q12.1.
Variant type: single nucleotide variant.
Coding change: c.2801T>G on transcript NM_001943.5 (MANE Select); coding-DNA position 2801, T replaced by G.
Protein change: p.Ile934Arg; replaces isoleucine 934 with arginine.
Molecular consequence: missense variant.
Genome position (GRCh38, 1-based): chr18:31,546,187, T>G. VCF-style: chr18-31546187-T-G. GRCh37 (hg19) VCF-style: chr18-29126150-T-G.
Other names: short protein forms I934R.
Identifiers: ClinVar variation 4803010 (VCV004803010.1).
Genomic context (GRCh38, chr18:31,546,187, plus strand): 5'-CTAGGCAGGCGCAAAAGGTAGCTACACCTCTTCCTGACCCAATGGCTTCTAGAAATGTGA[T>G]AGCAACAGAAACTTCCTATGTCACAGGGTCCACTATGCCACCAACCACTGTGATCCTGGG-3'
Protein context (NP_001934.2, residues 924-944): LPDPMASRNV[Ile934Arg]ATETSYVTGS